The following is an entry in ClinVar:

NM_006231.4(POLE):c.6010A>G (p.Ile2004Val)

Gene: POLE (DNA polymerase epsilon, catalytic subunit; minus strand). Cytogenetic location: 12q24.33.
Variant type: single nucleotide variant.
Coding change: c.6010A>G on transcript NM_006231.4 (MANE Select); coding-DNA position 6010, A replaced by G.
Protein change: p.Ile2004Val; replaces isoleucine 2004 with valine.
Molecular consequence: missense variant.
Genome position (GRCh38, 1-based): chr12:132,632,790, T>C on the plus strand (A>G on the coding strand, the complement: POLE is on the minus strand). VCF-style: chr12-132632790-T-C. GRCh37 (hg19) VCF-style: chr12-133209376-T-C.
Other names: c.6010A>G (NM_006231.2); short protein forms I2004V.
Identifiers: ClinVar variation 842916 (VCV000842916.10), dbSNP rs1029581195, ClinGen allele CA246293230.

ClinVar aggregate classification (germline): Uncertain significance. Review status: criteria provided, multiple submitters, no conflicts (2 of 4 stars). 2 submissions from 2 submitters: Uncertain significance (2). Last evaluated 2025-05-02.

Conditions:
Hereditary cancer-predisposing syndrome. Also called: Hereditary Cancer Syndrome; Hereditary neoplastic syndrome; Tumor predisposition; Neoplastic Syndromes, Hereditary. Identifiers: Orphanet 140162, MedGen C0027672, MeSH D009386, MONDO:0015356.

Allele frequency attached by ClinVar (database versions not stated): gnomAD exomes below 0.00001; gnomAD 0.00001; TOPMed 0.00002.
gnomAD v4.1: 2 of 1,606,234 alleles (0.00012%); highest among the groups gnomAD compares: East Asian, 0.0022%; no homozygotes.

Submissions (2):

Ambry Genetics
Classification: Uncertain significance for Hereditary cancer-predisposing syndrome. Last evaluated: 2025-05-02. Review status: criteria provided, single submitter. Criteria: Ambry Variant Classification Scheme 2023. Collection method: clinical testing. Allele origin: germline.
Comment: The p.I2004V variant (also known as c.6010A>G), located in coding exon 44 of the POLE gene, results from an A to G substitution at nucleotide position 6010. The isoleucine at codon 2004 is replaced by valine, an amino acid with highly similar properties. This amino acid position is conserved. In addition, this alteration is predicted to be tolerated by in silico analysis. Based on the available evidence, the clinical significance of this variant remains unclear.

Labcorp Genetics (formerly Invitae), Labcorp
Classification: Uncertain significance. Last evaluated: 2024-02-06. Review status: criteria provided, single submitter. Criteria: Invitae Variant Classification Sherloc (09022015). Collection method: clinical testing. Allele origin: germline.
Comment: This sequence change replaces isoleucine, which is neutral and non-polar, with valine, which is neutral and non-polar, at codon 2004 of the POLE protein (p.Ile2004Val). This variant is present in population databases (no rsID available, gnomAD 0.006%). This variant has not been reported in the literature in individuals affected with POLE-related conditions. ClinVar contains an entry for this variant (Variation ID: 842916). Advanced modeling of protein sequence and biophysical properties (such as structural, functional, and spatial information, amino acid conservation, physicochemical variation, residue mobility, and thermodynamic stability) performed at Invitae indicates that this missense variant is not expected to disrupt POLE protein function with a negative predictive value of 80%. In summary, the available evidence is currently insufficient to determine the role of this variant in disease. Therefore, it has been classified as a Variant of Uncertain Significance.